The following is an entry in ClinVar:

NM_020987.5(ANK3):c.1569A>G (p.Ala523=)

Gene: ANK3 (ankyrin 3; minus strand). Cytogenetic location: 10q21.2.
Variant type: single nucleotide variant.
Coding change: c.1569A>G on transcript NM_020987.5 (MANE Select); coding-DNA position 1569, A replaced by G.
Protein change: p.Ala523=; no amino-acid change (alanine 523 retained).
Molecular consequence: synonymous variant.
Genome position (GRCh38, 1-based): chr10:60,198,460, T>C on the plus strand (A>G on the coding strand, the complement: ANK3 is on the minus strand). VCF-style: chr10-60198460-T-C. GRCh37 (hg19) VCF-style: chr10-61958218-T-C.
Other names: c.1551A>G, p.Ala517= (NM_001204403.2); c.1518A>G, p.Ala506= (NM_001204404.2); c.1569A>G, p.Ala523= (NM_001320874.2).
Identifiers: ClinVar variation 1903782 (VCV001903782.19), dbSNP rs764543410, ClinGen allele CA5513102.
Genomic context (GRCh38, chr10:60,198,460, plus strand): 5'-CCCCTCTCGGGCGGAAAGGTGAAGTGGGGTGTACCCAGAAGTTGTGGCTGCATTTGGAGA[T>C]GCCCCTTGCTGCAACAGCTGTTGTACTATGTCTGCTTTCCCCAGTCGGGCTGAAATGTGG-3'
Protein context (NP_066267.2, residues 513-533): DIVQQLLQQG[Ala523=]SPNAATTSGY

ClinVar aggregate classification (germline): Likely benign. Review status: criteria provided, multiple submitters, no conflicts (2 of 4 stars). 3 submissions from 3 submitters: Likely benign (3). Last evaluated 2025-03-18.

Allele frequency attached by ClinVar (database versions not stated): ExAC 0.00002; gnomAD 0.00003; gnomAD exomes 0.00004; TOPMed 0.00006.
gnomAD v4.1: 64 of 1,614,106 alleles (0.004%); highest among the groups gnomAD compares: Non-Finnish European, 0.0053%; no homozygotes.

Submissions (3):

Labcorp Genetics (formerly Invitae), Labcorp
Classification: Likely benign. Last evaluated: 2025-03-18. Review status: criteria provided, single submitter. Criteria: Invitae Variant Classification Sherloc (09022015). Collection method: clinical testing. Allele origin: germline.

CeGaT Center for Human Genetics Tuebingen
Classification: Likely benign. Last evaluated: 2024-09-01. Review status: criteria provided, single submitter. Criteria: CeGaT Center For Human Genetics Tuebingen Variant Classification Criteria Version 2. Collection method: clinical testing. Allele origin: germline. Affected: yes. Observed: 1 variant allele.
Comment: ANK3: BP4, BP7

Blueprint Genetics
Classification: Likely benign. Last evaluated: 2024-06-03. Review status: criteria provided, single submitter. Criteria: ACMG Guidelines, 2015. Collection method: clinical testing. Allele origin: germline.